The following is an entry in ClinVar:

ClinVar aggregate classification (germline): Uncertain significance (1 of 4 stars; one submission).

Submission:

Labcorp Genetics (formerly Invitae), Labcorp
Classification: Uncertain significance. Last evaluated: 2022-05-29. Review status: criteria provided, single submitter. Criteria: Invitae Variant Classification Sherloc (09022015). Collection method: clinical testing. Allele origin: germline.
Comment: This variant is not present in population databases (gnomAD no frequency). This sequence change replaces lysine, which is basic and polar, with glutamic acid, which is acidic and polar, at codon 1197 of the KAT6A protein (p.Lys1197Glu). This variant has not been reported in the literature in individuals affected with KAT6A-related conditions. In summary, the available evidence is currently insufficient to determine the role of this variant in disease. Therefore, it has been classified as a Variant of Uncertain Significance. Algorithms developed to predict the effect of missense changes on protein structure and function output the following: SIFT: "Deleterious"; PolyPhen-2: "Benign"; Align-GVGD: "Class C0". The glutamic acid amino acid residue is found in multiple mammalian species, which suggests that this missense change does not adversely affect protein function.

NM_006766.5(KAT6A):c.3589A>G (p.Lys1197Glu)

Gene: KAT6A (lysine acetyltransferase 6A; minus strand). Cytogenetic location: 8p11.21.
Variant type: single nucleotide variant.
Coding change: c.3589A>G on transcript NM_006766.5 (MANE Select); coding-DNA position 3589, A replaced by G.
Protein change: p.Lys1197Glu; replaces lysine 1197 with glutamic acid.
Molecular consequence: missense variant.
Genome position (GRCh38, 1-based): chr8:41,934,631, T>C on the plus strand (A>G on the coding strand, the complement: KAT6A is on the minus strand). VCF-style: chr8-41934631-T-C. GRCh37 (hg19) VCF-style: chr8-41792149-T-C.
Other names: short protein forms K1197E.
Identifiers: ClinVar variation 2000688 (VCV002000688.4), dbSNP rs2486758125, ClinGen allele CA371068824.
Genomic context (GRCh38, chr8:41,934,631, plus strand): 5'-TGTCTTCTTTTGGCTCAACAGTTTCTTCACTCTCCTGGATCTTGGGTTTACGTCCAGCTT[T>C]AGGAATGGAAACGATGGGCTCAATGACGCATGCTTGAGTAGAAACTGGCATGATTTCCCG-3'
Protein context (NP_006757.2, residues 1187-1207): CVIEPIVSIP[Lys1197Glu]AGRKPKIQES